The following is an entry in ClinVar:

NM_172107.4(KCNQ2):c.1665C>G (p.Phe555Leu)

Gene: KCNQ2 (potassium voltage-gated channel subfamily Q member 2; minus strand). Cytogenetic location: 20q13.33.
Variant type: single nucleotide variant.
Coding change: c.1665C>G on transcript NM_172107.4 (MANE Select); coding-DNA position 1665, C replaced by G.
Protein change: p.Phe555Leu; replaces phenylalanine 555 with leucine.
Molecular consequence: missense variant.
Genome position (GRCh38, 1-based): chr20:63,413,548, G>C on the plus strand (C>G on the coding strand, the complement: KCNQ2 is on the minus strand). VCF-style: chr20-63413548-G-C. GRCh37 (hg19) VCF-style: chr20-62044901-G-C.
Other names: c.1611C>G, p.Phe537Leu (NM_001382235.1, NM_172106.3); c.1581C>G, p.Phe527Leu (NM_004518.6); c.1572C>G, p.Phe524Leu (NM_172108.5); short protein forms F524L, F527L, F537L, F555L.
Identifiers: ClinVar variation 2099169 (VCV002099169.4), dbSNP rs372800424, ClinGen allele CA409643924.

ClinVar aggregate classification (germline): Pathogenic (1 of 4 stars; one submission).

Conditions:
Early-infantile DEE. Also called: Early infantile epileptic encephalopathy; Early infantile epileptic encephalopathy with suppression bursts; Ohtahara syndrome. Identifiers: Orphanet 1934, MedGen C0393706, MONDO:0800491.

Submission:

Labcorp Genetics (formerly Invitae), Labcorp
Classification: Pathogenic for Early-infantile DEE. Last evaluated: 2022-10-13. Review status: criteria provided, single submitter. Criteria: Invitae Variant Classification Sherloc (09022015). Collection method: clinical testing. Allele origin: germline.
Comment: For these reasons, this variant has been classified as Pathogenic. Algorithms developed to predict the effect of missense changes on protein structure and function are either unavailable or do not agree on the potential impact of this missense change (SIFT: "Deleterious"; PolyPhen-2: "Probably Damaging"; Align-GVGD: "Class C0"). This missense change has been observed in individual(s) with neonatal-infantile seizures (PMID: 33659638). In at least one individual the variant was observed to be de novo. This variant is not present in population databases (gnomAD no frequency). This sequence change replaces phenylalanine, which is neutral and non-polar, with leucine, which is neutral and non-polar, at codon 555 of the KCNQ2 protein (p.Phe555Leu).

Literature cited by the submitters: PubMed 33659638.